The following is an entry in ClinVar:

ClinVar aggregate classification (germline): Uncertain significance. Review status: criteria provided, single submitter (1 of 4 stars). 2 submissions from 2 submitters: Uncertain significance (1). 1 of the submissions does not count toward it. Last evaluated 2024-03-14.

Submissions (2):

Women's Health and Genetics/Laboratory Corporation of America, LabCorp
Classification: Uncertain significance. Last evaluated: 2024-03-14. Review status: criteria provided, single submitter. Criteria: LabCorp Variant Classification Summary - May 2015. Collection method: clinical testing. Allele origin: germline.
Comment: Variant summary: F5 c.5668G>A (p.Glu1890Lys) results in a conservative amino acid change in the encoded protein sequence. Three of five in-silico tools predict a damaging effect of the variant on protein function. The variant was absent in 251132 control chromosomes. The available data on variant occurrences in the general population are insufficient to allow any conclusion about variant significance. To our knowledge, no occurrence of c.5668G>A in individuals affected with Thrombophilia, factor V Leiden and no experimental evidence demonstrating its impact on protein function have been reported. ClinVar contains an entry for this variant (Variation ID: 56161). Based on the evidence outlined above, the variant was classified as uncertain significance.

Hubei Clinical and Research Center of Thrombosis and Hemostasis Institute of Hematology, Union Hospital
Classification: Pathogenic. Review status: no assertion criteria provided. Collection method: not provided. Allele origin: inherited. Not counted in ClinVar's aggregate classification.
Comment: phenotypic: bleeding
ClinVar note: Converted during submission from pathogenic to Pathogenic.

NM_000130.4(F5):c.5668G>A (p.Glu1890Lys)

Gene: F5 (coagulation factor V; minus strand). Cytogenetic location: 1q24.2.
Variant type: single nucleotide variant.
Coding change: c.5668G>A on transcript NM_000130.4; coding-DNA position 5668, G replaced by A.
Protein change: p.Glu1890Lys; replaces glutamic acid 1890 with lysine.
Molecular consequence: missense variant (on NM_000130.5).
Genome position (GRCh38, 1-based): chr1:169,525,949, C>T on the plus strand (G>A on the coding strand, the complement: F5 is on the minus strand). VCF-style: chr1-169525949-C-T. GRCh37 (hg19) VCF-style: chr1-169495187-C-T.
Other names: c.5668G>A, p.Glu1890Lys (NM_000130.5); short protein forms E1890K.
Identifiers: ClinVar variation 56161 (VCV000056161.4), dbSNP rs386834228, ClinGen allele CA215974.
Genomic context (GRCh38, chr1:169,525,949, plus strand): 5'-CTCTTGTGATACCTCTGTCCATGATAAGAAATGGCGTTTGCATCCCTGCTCTCTGGTTTT[C>T]TCCAACCTCTGTGTTTAGGAGCCACCAGCCAGGTTTTGATGCCTTCATTTCAAGAGTTTT-3'
Protein context (NP_000121.2, residues 1880-1900): GWWLLNTEVG[Glu1890Lys]NQRAGMQTPF